The following is an entry in ClinVar:

NM_000283.4(PDE6B):c.1223A>C (p.Lys408Thr)

Gene: PDE6B (phosphodiesterase 6B; plus strand). Cytogenetic location: 4p16.3.
Variant type: single nucleotide variant.
Coding change: c.1223A>C on transcript NM_000283.4 (MANE Select); coding-DNA position 1223, A replaced by C.
Protein change: p.Lys408Thr; replaces lysine 408 with threonine.
Molecular consequence: missense variant.
Genome position (GRCh38, 1-based): chr4:656,989, A>C. VCF-style: chr4-656989-A-C. GRCh37 (hg19) VCF-style: chr4-650778-A-C.
Other names: c.1223A>C, p.Lys408Thr (NM_001145291.2); c.386A>C, p.Lys129Thr (NM_001145292.2, NM_001350154.3, NM_001379246.1 and 1 more transcripts); c.68A>C, p.Lys23Thr (NM_001350155.3); short protein forms K408T, K23T, K129T.
Identifiers: ClinVar variation 1436252 (VCV001436252.6), dbSNP rs2109215015, ClinGen allele CA355913445.

ClinVar aggregate classification (germline): Uncertain significance (1 of 4 stars; one submission).

Submission:

Labcorp Genetics (formerly Invitae), Labcorp
Classification: Uncertain significance. Last evaluated: 2021-09-14. Review status: criteria provided, single submitter. Criteria: Invitae Variant Classification Sherloc (09022015). Collection method: clinical testing. Allele origin: germline.
Comment: This sequence change replaces lysine with threonine at codon 408 of the PDE6B protein (p.Lys408Thr). The lysine residue is highly conserved and there is a moderate physicochemical difference between lysine and threonine. This variant is not present in population databases (ExAC no frequency). This variant has not been reported in the literature in individuals affected with PDE6B-related conditions. Algorithms developed to predict the effect of missense changes on protein structure and function are either unavailable or do not agree on the potential impact of this missense change (SIFT: "Tolerated"; PolyPhen-2: "Probably Damaging"; Align-GVGD: "Class C0"). In summary, the available evidence is currently insufficient to determine the role of this variant in disease. Therefore, it has been classified as a Variant of Uncertain Significance.